The following is an entry in ClinVar:

NM_000937.5(POLR2A):c.5902G>A (p.Glu1968Lys)

Gene: POLR2A (RNA polymerase II subunit A; plus strand). Cytogenetic location: 17p13.1.
Variant type: single nucleotide variant.
Coding change: c.5902G>A on transcript NM_000937.5 (MANE Select); coding-DNA position 5902, G replaced by A.
Protein change: p.Glu1968Lys; replaces glutamic acid 1968 with lysine.
Molecular consequence: missense variant.
Genome position (GRCh38, 1-based): chr17:7,514,168, G>A. VCF-style: chr17-7514168-G-A. GRCh37 (hg19) VCF-style: chr17-7417485-G-A.
Other names: short protein forms E1968K.
Identifiers: ClinVar variation 2169132 (VCV002169132.4), dbSNP rs2508207634, ClinGen allele CA397840735.

ClinVar aggregate classification (germline): Uncertain significance (1 of 4 stars; one submission).

Allele frequency attached by ClinVar (database versions not stated): gnomAD exomes 0.00001.

Submission:

Labcorp Genetics (formerly Invitae), Labcorp
Classification: Uncertain significance. Last evaluated: 2022-07-19. Review status: criteria provided, single submitter. Criteria: Invitae Variant Classification Sherloc (09022015). Collection method: clinical testing. Allele origin: germline.
Comment: In summary, the available evidence is currently insufficient to determine the role of this variant in disease. Therefore, it has been classified as a Variant of Uncertain Significance. Algorithms developed to predict the effect of missense changes on protein structure and function are either unavailable or do not agree on the potential impact of this missense change (SIFT: "Deleterious"; PolyPhen-2: "Not Available"; Align-GVGD: "Class C0"). This variant has not been reported in the literature in individuals affected with POLR2A-related conditions. This variant is not present in population databases (gnomAD no frequency). This sequence change replaces glutamic acid, which is acidic and polar, with lysine, which is basic and polar, at codon 1968 of the POLR2A protein (p.Glu1968Lys).